The following is an entry in ClinVar:

NM_053025.4(MYLK):c.5407G>A (p.Glu1803Lys)

Genes: MYLK-AS1 (MYLK antisense RNA 1; plus strand), MYLK (myosin light chain kinase; minus strand). Cytogenetic location: 3q21.1.
Variant type: single nucleotide variant.
Coding change: c.5407G>A on transcript NM_053025.4 (MANE Select); coding-DNA position 5407, G replaced by A.
Protein change: p.Glu1803Lys; replaces glutamic acid 1803 with lysine.
Molecular consequence: missense variant.
Genome position (GRCh38, 1-based): chr3:123,618,732, C>T on the plus strand (G>A on the coding strand, the complement: MYLK is on the minus strand). VCF-style: chr3-123618732-C-T. GRCh37 (hg19) VCF-style: chr3-123337579-C-T.
Other names: c.4879G>A, p.Glu1627Lys (NM_001321309.2); c.5200G>A, p.Glu1734Lys (NM_053026.4); c.5254G>A, p.Glu1752Lys (NM_053027.4); c.5047G>A, p.Glu1683Lys (NM_053028.4); c.124G>A, p.Glu42Lys (NM_053031.4); c.127G>A, p.Glu43Lys (NM_053032.4); short protein forms E1734K, E42K, E1752K, E1803K, E1627K, E1683K, E43K.
Identifiers: ClinVar variation 837723 (VCV000837723.8), dbSNP rs2057663405, ClinGen allele CA354231112.
Genomic context (GRCh38, chr3:123,618,732, plus strand): 5'-CCTCCACAACTTCTAAATCGCGAATGGTCTTAGAGAAATAGGGTTTTACATGAGGCTTTT[C>T]CTCAGCAACAGCCTCAAGGAAAGCTTGGGACACATCTTCTAGAAGACAGAGAAGAAGACC-3'
Protein context (NP_444253.3, residues 1793-1813): SQAFLEAVAE[Glu1803Lys]KPHVKPYFSK

ClinVar aggregate classification (germline): Uncertain significance (1 of 4 stars; one submission).

Conditions:
Aortic aneurysm, familial thoracic 7 (AAT7). Also called: AORTIC DISSECTION, FAMILIAL, WITH OR WITHOUT AORTIC ANEURYSM. Identifiers: MedGen C3151077, MONDO:0013418, OMIM 613780.

Submission:

Labcorp Genetics (formerly Invitae), Labcorp
Classification: Uncertain significance for Aortic aneurysm, familial thoracic 7. Last evaluated: 2022-04-19. Review status: criteria provided, single submitter. Criteria: Invitae Variant Classification Sherloc (09022015). Collection method: clinical testing. Allele origin: germline.
Comment: This sequence change replaces glutamic acid, which is acidic and polar, with lysine, which is basic and polar, at codon 1803 of the MYLK protein (p.Glu1803Lys). ClinVar contains an entry for this variant (Variation ID: 837723). This variant is not present in population databases (gnomAD no frequency). This variant has not been reported in the literature in individuals affected with MYLK-related conditions. In summary, the available evidence is currently insufficient to determine the role of this variant in disease. Therefore, it has been classified as a Variant of Uncertain Significance. Advanced modeling of protein sequence and biophysical properties (such as structural, functional, and spatial information, amino acid conservation, physicochemical variation, residue mobility, and thermodynamic stability) performed at Invitae indicates that this missense variant is not expected to disrupt MYLK protein function.